The following is an entry in ClinVar:

NM_001040142.2(SCN2A):c.367A>C (p.Ile123Leu)

Gene: SCN2A (sodium voltage-gated channel alpha subunit 2; plus strand). Cytogenetic location: 2q24.3.
Variant type: single nucleotide variant.
Coding change: c.367A>C on transcript NM_001040142.2 (MANE Select); coding-DNA position 367, A replaced by C.
Protein change: p.Ile123Leu; replaces isoleucine 123 with leucine.
Molecular consequence: missense variant.
Genome position (GRCh38, 1-based): chr2:165,297,116, A>C. VCF-style: chr2-165297116-A-C. GRCh37 (hg19) VCF-style: chr2-166153626-A-C.
Other names: c.367A>C, p.Ile123Leu (NM_001040143.2, NM_001371246.1, NM_001371247.1 and 1 more transcripts); short protein forms I123L.
Identifiers: ClinVar variation 1028208 (VCV001028208.1), dbSNP rs1396703741, ClinGen allele CA349011918.

ClinVar aggregate classification (germline): Uncertain significance (1 of 4 stars; one submission).

Conditions:
Developmental and epileptic encephalopathy, 11 (DEE11). Also called: Early infantile epileptic encephalopathy 11. Identifiers: Orphanet 1934, MedGen C3150987, MONDO:0013388, OMIM 613721.

Submission:

Baylor Genetics
Classification: Uncertain significance for Developmental and epileptic encephalopathy, 11. Last evaluated: 2020-07-08. Review status: criteria provided, single submitter. Criteria: ACMG Guidelines, 2015. Collection method: clinical testing. Allele origin: unknown. Affected: yes.
Comment: This variant was determined to be of uncertain significance according to ACMG Guidelines, 2015 [PMID:25741868].